The following is an entry in ClinVar:

NM_013266.4(CTNNA3):c.2501G>A (p.Arg834Gln)

Gene: CTNNA3 (catenin alpha 3; minus strand). Cytogenetic location: 10q21.3.
Variant type: single nucleotide variant.
Coding change: c.2501G>A on transcript NM_013266.4 (MANE Select); coding-DNA position 2501, G replaced by A.
Protein change: p.Arg834Gln; replaces arginine 834 with glutamine.
Molecular consequence: missense variant.
Genome position (GRCh38, 1-based): chr10:65,920,517, C>T on the plus strand (G>A on the coding strand, the complement: CTNNA3 is on the minus strand). VCF-style: chr10-65920517-C-T. GRCh37 (hg19) VCF-style: chr10-67680275-C-T.
Other names: c.2501G>A, p.Arg834Gln (NM_001127384.3); short protein forms R834Q.
Identifiers: ClinVar variation 409020 (VCV000409020.8), dbSNP rs373081692, ClinGen allele CA5519565.

ClinVar aggregate classification (germline): Uncertain significance (1 of 4 stars; one submission).

Conditions:
Arrhythmogenic right ventricular dysplasia 13. Also called: Arrhythmogenic right ventricular dysplasia, familial, 13; ARRHYTHMOGENIC RIGHT VENTRICULAR CARDIOMYOPATHY 13. Identifiers: MedGen C3810138, MONDO:0000908, OMIM 615616.

gnomAD v4.1: 19 of 1,614,108 alleles (0.0012%); highest among the groups gnomAD compares: South Asian, 0.0033%; no homozygotes.

Submission:

Labcorp Genetics (formerly Invitae), Labcorp
Classification: Uncertain significance for Arrhythmogenic right ventricular dysplasia 13. Last evaluated: 2024-04-22. Review status: criteria provided, single submitter. Criteria: Invitae Variant Classification Sherloc (09022015). Collection method: clinical testing. Allele origin: germline.
Comment: This sequence change replaces arginine, which is basic and polar, with glutamine, which is neutral and polar, at codon 834 of the CTNNA3 protein (p.Arg834Gln). This variant is present in population databases (rs373081692, gnomAD 0.002%). This variant has not been reported in the literature in individuals affected with CTNNA3-related conditions. ClinVar contains an entry for this variant (Variation ID: 409020). Advanced modeling of protein sequence and biophysical properties (such as structural, functional, and spatial information, amino acid conservation, physicochemical variation, residue mobility, and thermodynamic stability) performed at Invitae indicates that this missense variant is not expected to disrupt CTNNA3 protein function with a negative predictive value of 80%. In summary, the available evidence is currently insufficient to determine the role of this variant in disease. Therefore, it has been classified as a Variant of Uncertain Significance.